The following is an entry in ClinVar:

ClinVar aggregate classification (germline): Likely benign (1 of 4 stars; one submission).

Allele frequency attached by ClinVar (database versions not stated): ExAC 0.00001; gnomAD 0.00001; TOPMed 0.00002; gnomAD exomes 0.00003.
gnomAD v4.1: 10 of 1,614,020 alleles (0.00062%); highest among the groups gnomAD compares: East Asian, 0.018%; no homozygotes.

Submission:

GeneDx
Classification: Likely benign. Last evaluated: 2017-01-19. Review status: criteria provided, single submitter. Criteria: GeneDx Variant Classification (06012015). Collection method: clinical testing. Allele origin: germline. Affected: yes.
Comment: This variant is considered likely benign or benign based on one or more of the following criteria: it is a conservative change, it occurs at a poorly conserved position in the protein, it is predicted to be benign by multiple in silico algorithms, and/or has population frequency not consistent with disease.

NM_016373.4(WWOX):c.1056+6A>G

Gene: WWOX (WW domain containing oxidoreductase; plus strand). Cytogenetic location: 16q23.1.
Variant type: single nucleotide variant.
Coding change: c.1056+6A>G on transcript NM_016373.4 (MANE Select); 6 bases into the intron after coding-DNA position 1056, A replaced by G.
Molecular consequence: intron variant.
Genome position (GRCh38, 1-based): chr16:78,432,758, A>G. VCF-style: chr16-78432758-A-G. GRCh37 (hg19) VCF-style: chr16-78466655-A-G.
Other names: c.717+6A>G (NM_001291997.2).
Identifiers: ClinVar variation 506918 (VCV000506918.1), dbSNP rs772213220, ClinGen allele CA8183615.
Genomic context (GRCh38, chr16:78,432,758, plus strand): 5'-CTGGTGGGTGTACACACTGCTGTTTACCTTGGCGAGGCCTTTCACCAAGTCCATGGTAAG[A>G]GAACAGCTTCTGGCGCCGCAAACACCTTGGGTCCTAGAGAAACCTGCACACTTGTGTCTC-3'